The following is an entry in ClinVar:

ClinVar aggregate classification (germline): Likely benign (1 of 4 stars; one submission).

Submission:

CeGaT Center for Human Genetics Tuebingen
Classification: Likely benign. Last evaluated: 2026-02-01. Review status: criteria provided, single submitter. Criteria: CeGaT Center For Human Genetics Tuebingen Variant Classification Criteria Version 2. Collection method: clinical testing. Allele origin: germline. Affected: yes. Observed: 1 variant allele.
Comment: POLR2A: PM2:Supporting, BP4, BP7

NM_000937.5(POLR2A):c.2313G>A (p.Val771=)

Gene: POLR2A (RNA polymerase II subunit A; plus strand). Cytogenetic location: 17p13.1.
Variant type: single nucleotide variant.
Coding change: c.2313G>A on transcript NM_000937.5 (MANE Select); coding-DNA position 2313, G replaced by A.
Protein change: p.Val771=; no amino-acid change (valine 771 retained).
Molecular consequence: synonymous variant.
Genome position (GRCh38, 1-based): chr17:7,501,693, G>A. VCF-style: chr17-7501693-G-A. GRCh37 (hg19) VCF-style: chr17-7405012-G-A.
Identifiers: ClinVar variation 4823080 (VCV004823080.4).
Genomic context (GRCh38, chr17:7,501,693, plus strand): 5'-GACTGGCTCCTCTGCTCAGAAATCCCTGTCTGAATACAATAACTTCAAGTCTATGGTCGT[G>A]TCCGGAGCTAAAGGTTCCAAGATTAACATCTCCCAGGTGAGAAGCCTTGTTTTTCCATAT-3'
Protein context (NP_000928.1, residues 761-781): SEYNNFKSMV[Val771=]SGAKGSKINI